The following is an entry in ClinVar:

ClinVar aggregate classification (germline): Uncertain significance (1 of 4 stars; one submission).

Conditions:
Hereditary cancer-predisposing syndrome. Also called: Neoplastic Syndromes, Hereditary; Tumor predisposition; Hereditary neoplastic syndrome; Hereditary Cancer Syndrome. Identifiers: Orphanet 140162, MedGen C0027672, MeSH D009386, MONDO:0015356.

Submission:

Ambry Genetics
Classification: Uncertain significance for Hereditary cancer-predisposing syndrome. Last evaluated: 2023-10-01. Review status: criteria provided, single submitter. Criteria: Ambry Variant Classification Scheme 2023. Collection method: clinical testing. Allele origin: germline.
Comment: The p.H715N variant (also known as c.2143C>A), located in coding exon 12 of the PMS2 gene, results from a C to A substitution at nucleotide position 2143. The histidine at codon 715 is replaced by asparagine, an amino acid with similar properties. This amino acid position is conserved. In addition, this alteration is predicted to be tolerated by in silico analysis. Since supporting evidence is limited at this time, the clinical significance of this alteration remains unclear.

NM_000535.7(PMS2):c.2143C>A (p.His715Asn)

Gene: PMS2 (PMS1 homolog 2, mismatch repair system component; minus strand). Cytogenetic location: 7p22.1.
Variant type: single nucleotide variant.
Coding change: c.2143C>A on transcript NM_000535.7 (MANE Select); coding-DNA position 2143, C replaced by A.
Protein change: p.His715Asn; replaces histidine 715 with asparagine.
Molecular consequence: missense variant. On other transcripts: non-coding transcript variant (1), intron variant (4).
Genome position (GRCh38, 1-based): chr7:5,982,855, G>T on the plus strand (C>A on the coding strand, the complement: PMS2 is on the minus strand). VCF-style: chr7-5982855-G-T. GRCh37 (hg19) VCF-style: chr7-6022486-G-T.
Other names: c.1738C>A, p.His580Asn (NM_001406898.1, NM_001406899.1, NM_001018040.1 and 15 more transcripts); c.1630C>A, p.His544Asn (NM_001406905.1, NM_001406904.1); c.1582C>A, p.His528Asn (NM_001406906.1, NM_001322010.2, NM_001406907.1); c.1678C>A, p.His560Asn (NM_001406900.1); c.1669C>A, p.His557Asn (NM_001406901.1, NM_001406902.1); c.1987C>A, p.His663Asn (NM_001322006.2, NM_001406870.1); c.1825C>A, p.His609Asn (NM_001322007.2, NM_001322008.2, NM_001406876.1 and 1 more transcripts); c.1210C>A, p.His404Asn (NM_001322011.2, NM_001322012.2); and 16 more; short protein forms H314N, H404N, H458N, H524N, H528N, H544N, H557N, H560N.
Identifiers: ClinVar variation 3232002 (VCV003232002.1), dbSNP rs747494931, ClinGen allele CA366737898.